The following is an entry in ClinVar:

ClinVar aggregate classification (germline): Uncertain significance (1 of 4 stars; one submission).

Conditions:
Hereditary cancer-predisposing syndrome. Also called: Tumor predisposition; Hereditary Cancer Syndrome; Neoplastic Syndromes, Hereditary; Hereditary neoplastic syndrome. Identifiers: Orphanet 140162, MedGen C0027672, MeSH D009386, MONDO:0015356.

Submission:

Ambry Genetics
Classification: Uncertain significance for Hereditary cancer-predisposing syndrome. Last evaluated: 2020-07-09. Review status: criteria provided, single submitter. Criteria: Ambry Variant Classification Scheme 2023. Collection method: clinical testing. Allele origin: germline.
Comment: The p.L859H variant (also known as c.2576T>A), located in coding exon 4 of the MSH6 gene, results from a T to A substitution at nucleotide position 2576. The leucine at codon 859 is replaced by histidine, an amino acid with similar properties. This amino acid position is highly conserved in available vertebrate species. In addition, this alteration is predicted to be deleterious by in silico analysis. Since supporting evidence is limited at this time, the clinical significance of this alteration remains unclear.

NM_000179.3(MSH6):c.2576T>A (p.Leu859His)

Gene: MSH6 (mutS homolog 6; plus strand). Cytogenetic location: 2p16.3.
Variant type: single nucleotide variant.
Coding change: c.2576T>A on transcript NM_000179.3 (MANE Select); coding-DNA position 2576, T replaced by A.
Protein change: p.Leu859His; replaces leucine 859 with histidine.
Molecular consequence: missense variant.
Genome position (GRCh38, 1-based): chr2:47,800,559, T>A. VCF-style: chr2-47800559-T-A. GRCh37 (hg19) VCF-style: chr2-48027698-T-A.
Other names: c.2408T>A, p.Leu803His (NM_001406826.1); c.2279T>A, p.Leu760His (NM_001406827.1, NM_001406830.1, NM_001406828.1 and 10 more transcripts); c.1670T>A, p.Leu557His (NM_001406829.1, NM_001281493.2, NM_001281494.2 and 6 more transcripts); c.2186T>A, p.Leu729His (NM_001281492.2); c.2672T>A, p.Leu891His (NM_001406795.1, NM_001406802.1); c.2576T>A, p.Leu859His (NM_001406796.1, NM_001406798.1, NM_001406800.1 and 2 more transcripts); c.2051T>A, p.Leu684His (NM_001406799.1, NM_001406806.1, NM_001406807.1); c.2498T>A, p.Leu833His (NM_001406804.1); and 1 more; short protein forms L861H, L684H, L729H, L803H, L859H, L557H, L760H, L833H.
Identifiers: ClinVar variation 1793312 (VCV001793312.2), dbSNP rs1669483754, ClinGen allele CA346754763.